The following is an entry in ClinVar:

ClinVar aggregate classification (germline): Pathogenic (1 of 4 stars; one submission).

Conditions:
3-methylcrotonyl-CoA carboxylase 2 deficiency. Also called: METHYLCROTONYLGLYCINURIA, TYPE II; 3 alpha methylcrotonyl-CoA carboxylase 2 deficiency; 3 alpha methylcrotonylglycinuria 2; MCC 2 deficiency; Methylcrotonylglycinuria type 2. Identifiers: Orphanet 6, MedGen C1859499, MONDO:0008862, OMIM 210210.

Submission:

Labcorp Genetics (formerly Invitae), Labcorp
Classification: Pathogenic for 3-methylcrotonyl-CoA carboxylase 2 deficiency. Last evaluated: 2023-01-22. Review status: criteria provided, single submitter. Criteria: Invitae Variant Classification Sherloc (09022015). Collection method: clinical testing. Allele origin: germline.
Comment: For these reasons, this variant has been classified as Pathogenic. This variant disrupts a region of the MCCC2 protein in which other variant(s) (p.Thr556Ile) have been determined to be pathogenic (PMID: 25381946; Invitae). This suggests that this is a clinically significant region of the protein, and that variants that disrupt it are likely to be disease-causing. This variant has not been reported in the literature in individuals affected with MCCC2-related conditions. This variant is a gross deletion of the genomic region encompassing exon(s) 7-17 of the MCCC2 gene, which includes the termination codon. This deletion extends beyond the assayed region for this gene and therefore may encompass additional genes. While this deletion is not anticipated to lead to nonsense mediated decay, it is expected to alter mRNA translation or result in a truncated protein product.

Literature cited by the submitters: PubMed 25381946.

NC_000005.9:g.(?_70922447)_(70952687_?)del

Gene: MCCC2 (methylcrotonyl-CoA carboxylase subunit 2; plus strand). Cytogenetic location: 5q13.2.
Variant type: Deletion.
Identifiers: ClinVar variation 1460280 (VCV001460280.5).